The following is an entry in ClinVar:

ClinVar aggregate classification (germline): Uncertain significance (1 of 4 stars; one submission).

Conditions:
Charcot-Marie-Tooth disease dominant intermediate E. Also called: CHARCOT-MARIE-TOOTH NEUROPATHY WITH FOCAL SEGMENTAL GLOMERULONEPHRITIS. Identifiers: Orphanet 93114, MedGen C4302667, MONDO:0013758, OMIM 614455.
Focal segmental glomerulosclerosis 5 (FSGS5). Identifiers: Orphanet 656, MedGen C2750475, MONDO:0013191, OMIM 613237.

Allele frequency attached by ClinVar (database versions not stated): TOPMed below 0.00001; gnomAD 0.00001; 1000 Genomes Project 30x 0.00016; 1000 Genomes Project 0.00020.
gnomAD v4.1: 8 of 1,613,436 alleles (0.0005%); highest among the groups gnomAD compares: African/African-American, 0.0013%; no homozygotes.

Submission:

Labcorp Genetics (formerly Invitae), Labcorp
Classification: Uncertain significance for Charcot-Marie-Tooth disease dominant intermediate E; Focal segmental glomerulosclerosis 5. Last evaluated: 2022-11-15. Review status: criteria provided, single submitter. Criteria: Invitae Variant Classification Sherloc (09022015). Collection method: clinical testing. Allele origin: germline.
Comment: This variant has not been reported in the literature in individuals affected with INF2-related conditions. In summary, the available evidence is currently insufficient to determine the role of this variant in disease. Therefore, it has been classified as a Variant of Uncertain Significance. Algorithms developed to predict the effect of sequence changes on RNA splicing suggest that this variant may create or strengthen a splice site. Advanced modeling of protein sequence and biophysical properties (such as structural, functional, and spatial information, amino acid conservation, physicochemical variation, residue mobility, and thermodynamic stability) performed at Invitae indicates that this missense variant is not expected to disrupt INF2 protein function. This variant is not present in population databases (gnomAD no frequency). This sequence change replaces valine, which is neutral and non-polar, with aspartic acid, which is acidic and polar, at codon 1233 of the INF2 protein (p.Val1233Asp).

NM_022489.4(INF2):c.3698T>A (p.Val1233Asp)

Gene: INF2 (inverted formin 2; plus strand). Cytogenetic location: 14q32.33.
Variant type: single nucleotide variant.
Coding change: c.3698T>A on transcript NM_022489.4 (MANE Select); coding-DNA position 3698, T replaced by A.
Protein change: p.Val1233Asp; replaces valine 1233 with aspartic acid.
Molecular consequence: missense variant. On other transcripts: intron variant (1).
Genome position (GRCh38, 1-based): chr14:104,715,287, T>A. VCF-style: chr14-104715287-T-A. GRCh37 (hg19) VCF-style: chr14-105181624-T-A.
Other names: c.3698T>A, p.Val1233Asp (NM_001426863.1, NM_001426864.1); c.3694+431T>A (NM_001031714.4); short protein forms V1233D.
Identifiers: ClinVar variation 2937173 (VCV002937173.3), dbSNP rs570323218, ClinGen allele CA267331205.